The following is an entry in ClinVar:

NM_001849.4(COL6A2):c.1205C>T (p.Pro402Leu)

Gene: COL6A2 (collagen type VI alpha 2 chain; plus strand). Cytogenetic location: 21q22.3.
Variant type: single nucleotide variant.
Coding change: c.1205C>T on transcript NM_001849.4 (MANE Select); coding-DNA position 1205, C replaced by T.
Protein change: p.Pro402Leu; replaces proline 402 with leucine.
Molecular consequence: missense variant.
Genome position (GRCh38, 1-based): chr21:46,119,055, C>T. VCF-style: chr21-46119055-C-T. GRCh37 (hg19) VCF-style: chr21-47538969-C-T.
Other names: c.1205C>T, p.Pro402Leu (NM_058174.3, NM_058175.3); short protein forms P402L.
Identifiers: ClinVar variation 2887579 (VCV002887579.4), dbSNP rs2094293845, ClinGen allele CA410529808.

ClinVar aggregate classification (germline): Uncertain significance. Review status: criteria provided, multiple submitters, no conflicts (2 of 4 stars). 2 submissions from 2 submitters: Uncertain significance (2). Last evaluated 2025-09-22.

Conditions:
Bethlem myopathy 1A. Also called: Bethlem myopathy 1; MYOPATHY, BENIGN CONGENITAL, WITH CONTRACTURES; Bethlem Muscular Dystrophy. Identifiers: Orphanet 610, MedGen CN029274, MONDO:0024530, OMIM 158810.

Allele frequency attached by ClinVar (database versions not stated): gnomAD exomes 0.00001.
gnomAD v4.1: 8 of 1,612,248 alleles (0.0005%); highest among the groups gnomAD compares: Non-Finnish European, 0.00068%; no homozygotes.

Submissions (2):

Labcorp Genetics (formerly Invitae), Labcorp
Classification: Uncertain significance for Bethlem myopathy 1A. Last evaluated: 2025-09-22. Review status: criteria provided, single submitter. Criteria: Invitae Variant Classification Sherloc (09022015). Collection method: clinical testing. Allele origin: germline.
Comment: This sequence change replaces proline, which is neutral and non-polar, with leucine, which is neutral and non-polar, at codon 402 of the COL6A2 protein (p.Pro402Leu). This variant is not present in population databases (gnomAD no frequency). This variant has not been reported in the literature in individuals affected with COL6A2-related conditions. ClinVar contains an entry for this variant (Variation ID: 2887579). Invitae Evidence Modeling of protein sequence and biophysical properties (such as structural, functional, and spatial information, amino acid conservation, physicochemical variation, residue mobility, and thermodynamic stability) has been performed for this missense variant. However, the output from this modeling did not meet the statistical confidence thresholds required to predict the impact of this variant on COL6A2 protein function. In summary, the available evidence is currently insufficient to determine the role of this variant in disease. Therefore, it has been classified as a Variant of Uncertain Significance.

Revvity Omics, Revvity
Classification: Uncertain significance. Last evaluated: 2024-09-23. Review status: criteria provided, single submitter. Criteria: ACMG Guidelines, 2015. Collection method: clinical testing. Allele origin: germline.